The following is an entry in ClinVar:

NM_080680.3(COL11A2):c.1306C>G (p.Leu436Val)

Gene: COL11A2 (collagen type XI alpha 2 chain; minus strand). Cytogenetic location: 6p21.32.
Variant type: single nucleotide variant.
Coding change: c.1306C>G on transcript NM_080680.3 (MANE Select); coding-DNA position 1306, C replaced by G.
Protein change: p.Leu436Val; replaces leucine 436 with valine.
Molecular consequence: missense variant.
Genome position (GRCh38, 1-based): chr6:33,180,311, G>C on the plus strand (C>G on the coding strand, the complement: COL11A2 is on the minus strand). VCF-style: chr6-33180311-G-C. GRCh37 (hg19) VCF-style: chr6-33148088-G-C.
Other names: c.1126C>G, p.Leu376Val (NM_001424108.1); c.460C>G, p.Leu154Val (NM_001424109.1); c.280C>G, p.Leu94Val (NM_001424110.1, NM_001424111.1); c.985C>G, p.Leu329Val (NM_080679.3); c.1048C>G, p.Leu350Val (NM_080681.3); short protein forms L350V, L436V, L94V, L154V, L329V, L376V.
Identifiers: ClinVar variation 3671414 (VCV003671414.2).

ClinVar aggregate classification (germline): Uncertain significance (1 of 4 stars; one submission).

Submission:

Labcorp Genetics (formerly Invitae), Labcorp
Classification: Uncertain significance. Last evaluated: 2024-03-20. Review status: criteria provided, single submitter. Criteria: Invitae Variant Classification Sherloc (09022015). Collection method: clinical testing. Allele origin: germline.
Comment: This sequence change replaces leucine, which is neutral and non-polar, with valine, which is neutral and non-polar, at codon 436 of the COL11A2 protein (p.Leu436Val). This variant is not present in population databases (gnomAD no frequency). This variant has not been reported in the literature in individuals affected with COL11A2-related conditions. Advanced modeling of protein sequence and biophysical properties (such as structural, functional, and spatial information, amino acid conservation, physicochemical variation, residue mobility, and thermodynamic stability) performed at Invitae indicates that this missense variant is not expected to disrupt COL11A2 protein function with a negative predictive value of 95%. In summary, the available evidence is currently insufficient to determine the role of this variant in disease. Therefore, it has been classified as a Variant of Uncertain Significance.